The following is an entry in ClinVar:

ClinVar aggregate classification (germline): Uncertain significance (1 of 4 stars; one submission).

gnomAD v4.1: 10 of 1,614,124 alleles (0.00062%); highest among the groups gnomAD compares: Non-Finnish European, 0.00085%; no homozygotes.

Submission:

Labcorp Genetics (formerly Invitae), Labcorp
Classification: Uncertain significance. Last evaluated: 2025-03-23. Review status: criteria provided, single submitter. Criteria: Invitae Variant Classification Sherloc (09022015). Collection method: clinical testing. Allele origin: germline.
Comment: This sequence change replaces isoleucine, which is neutral and non-polar, with valine, which is neutral and non-polar, at codon 345 of the DDX58 protein (p.Ile345Val). This variant is not present in population databases (gnomAD no frequency). This variant has not been reported in the literature in individuals affected with DDX58-related conditions. Invitae Evidence Modeling of protein sequence and biophysical properties (such as structural, functional, and spatial information, amino acid conservation, physicochemical variation, residue mobility, and thermodynamic stability) indicates that this missense variant is not expected to disrupt DDX58 protein function with a negative predictive value of 80%. In summary, the available evidence is currently insufficient to determine the role of this variant in disease. Therefore, it has been classified as a Variant of Uncertain Significance.

NM_014314.4(RIGI):c.1033A>G (p.Ile345Val)

Gene: RIGI (RNA sensor RIG-I; minus strand). Cytogenetic location: 9p21.1.
Variant type: single nucleotide variant.
Coding change: c.1033A>G on transcript NM_014314.4 (MANE Select); coding-DNA position 1033, A replaced by G.
Protein change: p.Ile345Val; replaces isoleucine 345 with valine.
Molecular consequence: missense variant.
Genome position (GRCh38, 1-based): chr9:32,488,124, T>C on the plus strand (A>G on the coding strand, the complement: RIGI is on the minus strand). VCF-style: chr9-32488124-T-C. GRCh37 (hg19) VCF-style: chr9-32488122-T-C.
Other names: c.1027A>G, p.Ile343Val (NM_001385907.1); c.1033A>G, p.Ile345Val (NM_001385909.1); c.592A>G, p.Ile198Val (NM_001385910.1); c.424A>G, p.Ile142Val (NM_001385912.1); c.1018A>G, p.Ile340Val (NM_001385913.1); c.589A>G, p.Ile197Val (NM_001385914.1); short protein forms I345V, I343V, I142V, I340V, I197V, I198V.
Identifiers: ClinVar variation 4767731 (VCV004767731.1).
Genomic context (GRCh38, chr9:32,488,124, plus strand): 5'-TGGATAGTGATGGAATCGTTCCCTTTTTAAGGTTGTTCACAAGAATCTGTGGAGTTAAAA[T>C]GATGATGTCATTGTTCTCAACAATCTGTTCCACTGGGACATTCTCAGCTGTTGCTCCAGA-3'
Protein context (NP_055129.2, residues 335-355): EQIVENNDII[Ile345Val]LTPQILVNNL